The following is an entry in ClinVar:

NM_020738.4(KIDINS220):c.3387G>A (p.Thr1129=)

Gene: KIDINS220 (kinase D interacting substrate 220; minus strand). Cytogenetic location: 2p25.1.
Variant type: single nucleotide variant.
Coding change: c.3387G>A on transcript NM_020738.4 (MANE Select); coding-DNA position 3387, G replaced by A.
Protein change: p.Thr1129=; no amino-acid change (threonine 1129 retained).
Molecular consequence: synonymous variant. On other transcripts: non-coding transcript variant (2).
Genome position (GRCh38, 1-based): chr2:8,750,139, C>T on the plus strand (G>A on the coding strand, the complement: KIDINS220 is on the minus strand). VCF-style: chr2-8750139-C-T. GRCh37 (hg19) VCF-style: chr2-8890269-C-T.
Other names: c.3387G>A (NM_020738.2); c.3390G>A, p.Thr1130= (NM_001348729.2, NM_001348731.2, NM_001348734.2 and 2 more transcripts); c.3387G>A, p.Thr1129= (NM_001348732.2, NM_001348735.2, NM_001348738.2 and 3 more transcripts); c.3261G>A, p.Thr1087= (NM_001348736.2).
Identifiers: ClinVar variation 1929463 (VCV001929463.7), dbSNP rs376957194, ClinGen allele CA1519679.

ClinVar aggregate classification (germline): Likely benign. Review status: criteria provided, single submitter (1 of 4 stars). 2 submissions from 2 submitters: Likely benign (1). 1 of the submissions does not count toward it. Last evaluated 2023-01-28.

Conditions:
KIDINS220-related disorder. Also called: KIDINS220-related condition.

Allele frequency attached by ClinVar (database versions not stated): ExAC 0.00001; gnomAD exomes 0.00001; TOPMed 0.00002; ESP Exome Variant Server 0.00008.
gnomAD v4.1: 11 of 1,614,084 alleles (0.00068%); highest among the groups gnomAD compares: African/African-American, 0.0067%; no homozygotes.

Submissions (2):

Labcorp Genetics (formerly Invitae), Labcorp
Classification: Likely benign. Last evaluated: 2023-01-28. Review status: criteria provided, single submitter. Criteria: Invitae Variant Classification Sherloc (09022015). Collection method: clinical testing. Allele origin: germline.

PreventionGenetics, part of Exact Sciences
Classification: Likely benign for KIDINS220-related condition. Last evaluated: 2021-06-18. Review status: no assertion criteria provided. Collection method: clinical testing. Allele origin: germline. Not counted in ClinVar's aggregate classification.
Comment: This variant is classified as likely benign based on ACMG/AMP sequence variant interpretation guidelines (Richards et al. 2015 PMID: 25741868, with internal and published modifications).